The following is an entry in ClinVar:

ClinVar aggregate classification (germline): Conflicting classifications of pathogenicity. Review status: criteria provided, conflicting classifications (1 of 4 stars). 8 submissions from 8 submitters: Uncertain significance (6); Likely benign (2). Last evaluated 2026-04-27.

Conditions:
Breast-ovarian cancer, familial, susceptibility to, 5 (BROVCA5). Identifiers: MedGen C5830615, MONDO:0957530, OMIM 620442.
Hereditary cancer. Identifiers: MedGen C1333600.
Hereditary cancer-predisposing syndrome. Also called: Hereditary neoplastic syndrome; Neoplastic Syndromes, Hereditary; Hereditary Cancer Syndrome; Tumor predisposition. Identifiers: Orphanet 140162, MedGen C0027672, MeSH D009386, MONDO:0015356.
Familial cancer of breast. Also called: Hereditary breast cancer; BREAST CANCER, FAMILIAL; hereditary breast carcinoma. Identifiers: Orphanet 227535, MedGen C0346153, MONDO:0016419, OMIM 114480. Disease mechanism: loss of function.

Allele frequency attached by ClinVar (database versions not stated): gnomAD exomes below 0.00001 and 0.00001; TOPMed 0.00001.
gnomAD v4.1: 9 of 1,614,132 alleles (0.00056%); highest among the groups gnomAD compares: South Asian, 0.0066%; no homozygotes.

Submissions (8):

Dasa
Classification: Uncertain significance for Breast-ovarian cancer, familial, susceptibility to, 5. Last evaluated: 2026-04-27. Review status: criteria provided, single submitter. Criteria: DASA Assertion Criteria. Collection method: clinical testing. Allele origin: germline.
Comment: NM_024675.4(PALB2):c.1226A>G (p.Tyr409Cys) is a missense variant that results in the substitution of tyrosine with cysteine. The variant is present at low frequency in population datasets. Based on the available data, this variant is classified as variant of uncertain significance.

Ambry Genetics
Classification: Uncertain significance for Hereditary cancer-predisposing syndrome. Last evaluated: 2025-05-15. Review status: criteria provided, single submitter. Criteria: Ambry Variant Classification Scheme 2023. Collection method: clinical testing. Allele origin: germline.
Comment: The p.Y409C variant (also known as c.1226A>G), located in coding exon 4 of the PALB2 gene, results from an A to G substitution at nucleotide position 1226. The tyrosine at codon 409 is replaced by cysteine, an amino acid with highly dissimilar properties. This alteration was seen in 1/7840 breast cancer patients and 1/7928 controls in the South East Asian population (Ng PS et al. J Med Genet, 2022 May;59:481-491). This alteration was found to be functional in a homology-directed DNA repair (HDR) assay (Wiltshire T et al. Genet. Med., 2020 Mar;22:622-632). This amino acid position is highly conserved in available vertebrate species. In addition, the in silico prediction for this alteration is inconclusive. Based on the available evidence, the clinical significance of this variant remains unclear.

Labcorp Genetics (formerly Invitae), Labcorp
Classification: Uncertain significance for Familial cancer of breast. Last evaluated: 2025-01-20. Review status: criteria provided, single submitter. Criteria: Invitae Variant Classification Sherloc (09022015). Collection method: clinical testing. Allele origin: germline.
Comment: This sequence change replaces tyrosine, which is neutral and polar, with cysteine, which is neutral and slightly polar, at codon 409 of the PALB2 protein (p.Tyr409Cys). This variant is present in population databases (no rsID available, gnomAD 0.003%). This missense change has been observed in individual(s) with breast cancer (PMID: 33811135, 35264596, 35534704). ClinVar contains an entry for this variant (Variation ID: 241525). Invitae Evidence Modeling of protein sequence and biophysical properties (such as structural, functional, and spatial information, amino acid conservation, physicochemical variation, residue mobility, and thermodynamic stability) indicates that this missense variant is expected to disrupt PALB2 protein function with a positive predictive value of 80%. Experimental studies have shown that this missense change does not substantially affect PALB2 function (PMID: 31636395, 33811135). In summary, the available evidence is currently insufficient to determine the role of this variant in disease. Therefore, it has been classified as a Variant of Uncertain Significance.

Color Diagnostics, LLC DBA Color Health
Classification: Likely benign for Hereditary cancer-predisposing syndrome. Last evaluated: 2024-12-17. Review status: criteria provided, single submitter. Criteria: ACMG Guidelines, 2015. Collection method: clinical testing. Allele origin: germline.

Baylor Genetics
Classification: Uncertain significance for Familial cancer of breast. Last evaluated: 2024-03-29. Review status: criteria provided, single submitter. Criteria: ACMG Guidelines, 2015. Collection method: clinical testing. Allele origin: unknown.

Mendelics
Classification: Likely benign for Hereditary cancer. Last evaluated: 2024-01-23. Review status: criteria provided, single submitter. Criteria: ACMG Guidelines, 2015. Collection method: clinical testing. Allele origin: unknown.

Laboratorio de Genetica e Diagnostico Molecular, Hospital Israelita Albert Einstein
Classification: Uncertain significance for Familial cancer of breast. Last evaluated: 2021-11-22. Review status: criteria provided, single submitter. Criteria: ACMG Guidelines, 2015. Collection method: clinical testing. Allele origin: germline. Affected: yes.
Comment: ACMG classification criteria: PM2 moderate

Quest Diagnostics Nichols Institute San Juan Capistrano
Classification: Uncertain significance. Last evaluated: 2019-09-05. Review status: criteria provided, single submitter. Criteria: Quest Diagnostics criteria. Collection method: clinical testing. Allele origin: unknown.

Literature cited by the submitters: PubMed 31636395 (cited by Ambry Genetics and Labcorp Genetics (formerly Invitae), Labcorp); PubMed 33811135 (cited by Ambry Genetics and Labcorp Genetics (formerly Invitae), Labcorp); PubMed 35264596 (cited by Labcorp Genetics (formerly Invitae), Labcorp); PubMed 35534704 (cited by Labcorp Genetics (formerly Invitae), Labcorp).

NM_024675.4(PALB2):c.1226A>G (p.Tyr409Cys)

Gene: PALB2 (partner and localizer of BRCA2; minus strand). Cytogenetic location: 16p12.2.
Variant type: single nucleotide variant.
Coding change: c.1226A>G on transcript NM_024675.4 (MANE Select); coding-DNA position 1226, A replaced by G.
Protein change: p.Tyr409Cys; replaces tyrosine 409 with cysteine.
Molecular consequence: missense variant.
Genome position (GRCh38, 1-based): chr16:23,635,320, T>C on the plus strand (A>G on the coding strand, the complement: PALB2 is on the minus strand). VCF-style: chr16-23635320-T-C. GRCh37 (hg19) VCF-style: chr16-23646641-T-C.
Other names: short protein forms Y409C.
Identifiers: ClinVar variation 241525 (VCV000241525.25), dbSNP rs878855097, ClinGen allele CA10583375.